The following is an entry in ClinVar:

NM_002519.3(NPAT):c.3835C>T (p.His1279Tyr)

Gene: NPAT (nuclear protein, coactivator of histone transcription; minus strand). Cytogenetic location: 11q22.3.
Variant type: single nucleotide variant.
Coding change: c.3835C>T on transcript NM_002519.3 (MANE Select); coding-DNA position 3835, C replaced by T.
Protein change: p.His1279Tyr; replaces histidine 1279 with tyrosine.
Molecular consequence: missense variant.
Genome position (GRCh38, 1-based): chr11:108,161,251, G>A on the plus strand (C>T on the coding strand, the complement: NPAT is on the minus strand). VCF-style: chr11-108161251-G-A. GRCh37 (hg19) VCF-style: chr11-108031978-G-A.
Other names: c.3856C>T, p.His1286Tyr (NM_001321307.1); short protein forms H1279Y, H1286Y.
Identifiers: ClinVar variation 1735380 (VCV001735380.2), dbSNP rs868377593, ClinGen allele CA382509946.

ClinVar aggregate classification (germline): Uncertain significance (1 of 4 stars; one submission).

Submission:

Ambry Genetics
Classification: Uncertain significance. Last evaluated: 2021-10-13. Review status: criteria provided, single submitter. Criteria: Ambry Variant Classification Scheme 2023. Collection method: clinical testing. Allele origin: germline.
Comment: The p.H1279Y variant (also known as c.3835C>T), located in coding exon 17 of the NPAT gene, results from a C to T substitution at nucleotide position 3835. The histidine at codon 1279 is replaced by tyrosine, an amino acid with similar properties. This amino acid position is conserved. In addition, this alteration is predicted to be tolerated by in silico analysis. Since supporting evidence is limited at this time, the clinical significance of this alteration remains unclear.